The following is an entry in ClinVar:

Conditions:
Long QT syndrome 5 (LQT5). Identifiers: Orphanet 101016, Orphanet 768, MedGen C1867904, MONDO:0013372, OMIM 613695.

Submission:

Roden Lab, Vanderbilt University Medical Center
No classification provided (evidence only). Condition: Long QT syndrome 5. Review status: no classification provided. Collection method: in vitro. Allele origin: not applicable. Functional consequence: Effect on ion channel function.
ClinVar note: "not provided" was previously submitted as the classification for the variant. However, the classification appeared to be based only on an observation of functional data so it was converted to no classification on 2025-07-30.

NM_000219.6(KCNE1):c.377A>G (p.Lys126Arg)

Gene: KCNE1 (potassium voltage-gated channel subfamily E regulatory subunit 1; minus strand). Cytogenetic location: 21q22.12.
Variant type: single nucleotide variant.
Coding change: c.377A>G on transcript NM_000219.6 (MANE Select); coding-DNA position 377, A replaced by G.
Protein change: p.Lys126Arg; replaces lysine 126 with arginine.
Molecular consequence: missense variant.
Genome position (GRCh38, 1-based): chr21:34,449,258, T>C on the plus strand (A>G on the coding strand, the complement: KCNE1 is on the minus strand). VCF-style: chr21-34449258-T-C. GRCh37 (hg19) VCF-style: chr21-35821556-T-C.
Other names: c.377A>G, p.Lys126Arg (NM_001127668.4, NM_001127669.4, NM_001127670.4 and 4 more transcripts); short protein forms K126R.
Identifiers: ClinVar variation 3373861 (VCV003373861.2).